The following is an entry in ClinVar:

NM_004385.5(VCAN):c.1397T>C (p.Val466Ala)

Gene: VCAN (versican; plus strand). Cytogenetic location: 5q14.3.
Variant type: single nucleotide variant.
Coding change: c.1397T>C on transcript NM_004385.5 (MANE Select); coding-DNA position 1397, T replaced by C.
Protein change: p.Val466Ala; replaces valine 466 with alanine.
Molecular consequence: missense variant. On other transcripts: intron variant (2).
Genome position (GRCh38, 1-based): chr5:83,519,703, T>C. VCF-style: chr5-83519703-T-C. GRCh37 (hg19) VCF-style: chr5-82815522-T-C.
Other names: c.1397T>C, p.Val466Ala (NM_001164098.2); c.1042+7307T>C (NM_001164097.2, NM_001126336.3); short protein forms V466A.
Identifiers: ClinVar variation 938772 (VCV000938772.9), dbSNP rs1746001771, ClinGen allele CA360300089.

ClinVar aggregate classification (germline): Uncertain significance (1 of 4 stars; one submission).

Allele frequency attached by ClinVar (database versions not stated): gnomAD exomes below 0.00001; TOPMed below 0.00001.
gnomAD v4.1: 2 of 1,614,122 alleles (0.00012%); highest among the groups gnomAD compares: Non-Finnish European, 0.00017%; no homozygotes.

Submission:

Labcorp Genetics (formerly Invitae), Labcorp
Classification: Uncertain significance. Last evaluated: 2024-10-28. Review status: criteria provided, single submitter. Criteria: Invitae Variant Classification Sherloc (09022015). Collection method: clinical testing. Allele origin: germline.
Comment: This sequence change replaces valine, which is neutral and non-polar, with alanine, which is neutral and non-polar, at codon 466 of the VCAN protein (p.Val466Ala). This variant is not present in population databases (gnomAD no frequency). This variant has not been reported in the literature in individuals affected with VCAN-related conditions. ClinVar contains an entry for this variant (Variation ID: 938772). An algorithm developed to predict the effect of missense changes on protein structure and function (PolyPhen-2) suggests that this variant is likely to be tolerated. In summary, the available evidence is currently insufficient to determine the role of this variant in disease. Therefore, it has been classified as a Variant of Uncertain Significance.